The following is an entry in ClinVar:

ClinVar aggregate classification (germline): Uncertain significance (1 of 4 stars; one submission).

Conditions:
Vici syndrome (VICIS). Identifiers: Orphanet 1493, MedGen C1855772, MONDO:0009452, OMIM 242840.

Allele frequency attached by ClinVar (database versions not stated): TOPMed below 0.00001; gnomAD 0.00003 and 0.00004; gnomAD exomes 0.00005 and 0.00007; ExAC 0.00010.
gnomAD v4.1: 72 of 1,612,318 alleles (0.0045%); highest among the groups gnomAD compares: Non-Finnish European, 0.0023%; no homozygotes.

Submission:

Labcorp Genetics (formerly Invitae), Labcorp
Classification: Uncertain significance for Vici syndrome. Last evaluated: 2022-09-07. Review status: criteria provided, single submitter. Criteria: Invitae Variant Classification Sherloc (09022015). Collection method: clinical testing. Allele origin: germline.
Comment: This sequence change replaces asparagine, which is neutral and polar, with histidine, which is basic and polar, at codon 2340 of the EPG5 protein (p.Asn2340His). This variant is present in population databases (rs200080895, gnomAD 0.05%). This variant has not been reported in the literature in individuals affected with EPG5-related conditions. ClinVar contains an entry for this variant (Variation ID: 1420548). Algorithms developed to predict the effect of missense changes on protein structure and function output the following: SIFT: "Tolerated"; PolyPhen-2: "Possibly Damaging"; Align-GVGD: "Class C0". The histidine amino acid residue is found in multiple mammalian species, which suggests that this missense change does not adversely affect protein function. In summary, the available evidence is currently insufficient to determine the role of this variant in disease. Therefore, it has been classified as a Variant of Uncertain Significance.

NM_020964.3(EPG5):c.7018A>C (p.Asn2340His)

Gene: EPG5 (ectopic P-granules 5 autophagy tethering factor; minus strand). Cytogenetic location: 18q12.3.
Variant type: single nucleotide variant.
Coding change: c.7018A>C on transcript NM_020964.3 (MANE Select); coding-DNA position 7018, A replaced by C.
Protein change: p.Asn2340His; replaces asparagine 2340 with histidine.
Molecular consequence: missense variant.
Genome position (GRCh38, 1-based): chr18:45,858,774, T>G on the plus strand (A>C on the coding strand, the complement: EPG5 is on the minus strand). VCF-style: chr18-45858774-T-G. GRCh37 (hg19) VCF-style: chr18-43438739-T-G.
Other names: short protein forms N2340H.
Identifiers: ClinVar variation 1420548 (VCV001420548.6), dbSNP rs200080895, ClinGen allele CA8948088.